The following is an entry in ClinVar:

NM_020632.3(ATP6V0A4):c.417+8C>T

Gene: ATP6V0A4 (ATPase H+ transporting V0 subunit a4; minus strand). Cytogenetic location: 7q34.
Variant type: single nucleotide variant.
Coding change: c.417+8C>T on transcript NM_020632.3 (MANE Select); 8 bases into the intron after coding-DNA position 417, C replaced by T.
Molecular consequence: intron variant.
Genome position (GRCh38, 1-based): chr7:138,762,892, G>A on the plus strand (C>T on the coding strand, the complement: ATP6V0A4 is on the minus strand). VCF-style: chr7-138762892-G-A. GRCh37 (hg19) VCF-style: chr7-138447637-G-A.
Other names: c.417+8C>T (NM_130840.3, NM_130841.3, NM_020632.2).
Identifiers: ClinVar variation 1155488 (VCV001155488.12), dbSNP rs767661194, ClinGen allele CA4505143.

ClinVar aggregate classification (germline): Likely benign. Review status: criteria provided, multiple submitters, no conflicts (2 of 4 stars). 3 submissions from 3 submitters: Likely benign (2). 1 of the submissions does not count toward it. Last evaluated 2025-11-16.

Conditions:
ATP6V0A4-related disorder. Also called: ATP6V0A4-related condition.
Renal tubular acidosis, distal, 3, with or without sensorineural hearing loss (DRTA3). Identifiers: MedGen C5399980, MONDO:0011268, OMIM 602722.

Allele frequency attached by ClinVar (database versions not stated): ExAC 0.00001; gnomAD exomes 0.00001; TOPMed 0.00001; gnomAD 0.00002.
gnomAD v4.1: 15 of 1,613,718 alleles (0.00093%); highest among the groups gnomAD compares: Non-Finnish European, 0.0013%; no homozygotes.

Submissions (3):

Labcorp Genetics (formerly Invitae), Labcorp
Classification: Likely benign. Last evaluated: 2025-11-16. Review status: criteria provided, single submitter. Criteria: Invitae Variant Classification Sherloc (09022015). Collection method: clinical testing. Allele origin: germline.

Fulgent Genetics
Classification: Likely benign for Renal tubular acidosis, distal, 3, with or without sensorineural hearing loss. Last evaluated: 2021-10-28. Review status: criteria provided, single submitter. Criteria: ACMG Guidelines, 2015. Collection method: clinical testing. Allele origin: unknown.

PreventionGenetics, part of Exact Sciences
Classification: Likely benign for ATP6V0A4-related condition. Last evaluated: 2019-04-09. Review status: no assertion criteria provided. Collection method: clinical testing. Allele origin: germline. Not counted in ClinVar's aggregate classification.
Comment: This variant is classified as likely benign based on ACMG/AMP sequence variant interpretation guidelines (Richards et al. 2015 PMID: 25741868, with internal and published modifications).